The following is an entry in ClinVar:

ClinVar aggregate classification (germline): Uncertain significance. Review status: criteria provided, multiple submitters, no conflicts (2 of 4 stars). 2 submissions from 2 submitters: Uncertain significance (2). Last evaluated 2025-05-24.

Conditions:
Hypertrophic cardiomyopathy 26. Also called: Cardiomyopathy, familial hypertrophic, 26. Identifiers: Orphanet 75249, MedGen C4310749, MONDO:0014883, OMIM 617047.
Dilated Cardiomyopathy, Dominant.
Myofibrillar myopathy 5. Also called: Filaminopathy (type); FILAMINOPATHY, AUTOSOMAL DOMINANT. Identifiers: Orphanet 171445, MedGen C1836050, MONDO:0012289, OMIM 609524.
Distal myopathy with posterior leg and anterior hand involvement. Also called: WILLIAMS DISTAL MYOPATHY. Identifiers: Orphanet 63273, MedGen C3279722, MONDO:0013550, OMIM 614065.
Cardiovascular phenotype. Identifiers: MedGen CN230736.

Submissions (2):

Ambry Genetics
Classification: Uncertain significance for Cardiovascular phenotype. Last evaluated: 2025-05-24. Review status: criteria provided, single submitter. Criteria: Ambry Variant Classification Scheme 2023. Collection method: clinical testing. Allele origin: germline.
Comment: The p.V2017L variant (also known as c.6049G>T), located in coding exon 37 of the FLNC gene, results from a G to T substitution at nucleotide position 6049. The valine at codon 2017 is replaced by leucine, an amino acid with highly similar properties. This amino acid position is conserved. In addition, the in silico prediction for this alteration is inconclusive. Based on the available evidence, the clinical significance of this variant remains unclear.

Labcorp Genetics (formerly Invitae), Labcorp
Classification: Uncertain significance for Distal myopathy with posterior leg and anterior hand involvement; Myofibrillar myopathy 5; Hypertrophic cardiomyopathy 26. Last evaluated: 2024-01-09. Review status: criteria provided, single submitter. Criteria: Invitae Variant Classification Sherloc (09022015). Collection method: clinical testing. Allele origin: germline.
Comment: This sequence change replaces valine, which is neutral and non-polar, with leucine, which is neutral and non-polar, at codon 2017 of the FLNC protein (p.Val2017Leu). This variant is not present in population databases (gnomAD no frequency). This variant has not been reported in the literature in individuals affected with FLNC-related conditions. Advanced modeling of protein sequence and biophysical properties (such as structural, functional, and spatial information, amino acid conservation, physicochemical variation, residue mobility, and thermodynamic stability) has been performed at Invitae for this missense variant, however the output from this modeling did not meet the statistical confidence thresholds required to predict the impact of this variant on FLNC protein function. In summary, the available evidence is currently insufficient to determine the role of this variant in disease. Therefore, it has been classified as a Variant of Uncertain Significance.

NM_001458.5(FLNC):c.6049G>T (p.Val2017Leu)

Genes: FLNC (filamin C; plus strand), FLNC-AS1 (FLNC antisense RNA 1; minus strand). Cytogenetic location: 7q32.1.
Variant type: single nucleotide variant.
Coding change: c.6049G>T on transcript NM_001458.5 (MANE Select); coding-DNA position 6049, G replaced by T.
Protein change: p.Val2017Leu; replaces valine 2017 with leucine.
Molecular consequence: missense variant.
Genome position (GRCh38, 1-based): chr7:128,852,872, G>T. VCF-style: chr7-128852872-G-T. GRCh37 (hg19) VCF-style: chr7-128492926-G-T.
Other names: c.5950G>T, p.Val1984Leu (NM_001127487.2); short protein forms V1984L, V2017L.
Identifiers: ClinVar variation 2932009 (VCV002932009.2), dbSNP rs1019545678, ClinGen allele CA369211056.